The following is an entry in ClinVar:

ClinVar aggregate classification (germline): Uncertain significance (1 of 4 stars; one submission).

Submission:

Labcorp Genetics (formerly Invitae), Labcorp
Classification: Uncertain significance. Last evaluated: 2025-10-15. Review status: criteria provided, single submitter. Criteria: Invitae Variant Classification Sherloc (09022015). Collection method: clinical testing. Allele origin: germline.
Comment: This sequence change affects codon 147 of the COL4A1 mRNA. It is a 'silent' change, meaning that it does not change the encoded amino acid sequence of the COL4A1 protein. It affects a nucleotide within the consensus splice site. This variant is present in population databases (rs201812821, gnomAD 0.003%). This variant has not been reported in the literature in individuals affected with COL4A1-related conditions. ClinVar contains an entry for this variant (Variation ID: 2738247). Algorithms developed to predict the effect of sequence changes on RNA splicing suggest that this variant is not likely to affect RNA splicing. In summary, the available evidence is currently insufficient to determine the role of this variant in disease. Therefore, it has been classified as a Variant of Uncertain Significance.

NM_001845.6(COL4A1):c.441C>G (p.Pro147=)

Gene: COL4A1 (collagen type IV alpha 1 chain; minus strand). Cytogenetic location: 13q34.
Variant type: single nucleotide variant.
Coding change: c.441C>G on transcript NM_001845.6 (MANE Select); coding-DNA position 441, C replaced by G.
Protein change: p.Pro147=; no amino-acid change (proline 147 retained).
Molecular consequence: synonymous variant.
Genome position (GRCh38, 1-based): chr13:110,211,869, G>C on the plus strand (C>G on the coding strand, the complement: COL4A1 is on the minus strand). VCF-style: chr13-110211869-G-C. GRCh37 (hg19) VCF-style: chr13-110864216-G-C.
Other names: c.441C>G, p.Pro147= (NM_001303110.2).
Identifiers: ClinVar variation 2738247 (VCV002738247.3), dbSNP rs201812821, ClinGen allele CA7048516.
Genomic context (GRCh38, chr13:110,211,869, plus strand): 5'-TGAAAAGAGAGAAGTCATAACTAAAAGAAAGAAGTTCTGCCCTAAATAACCTCTACTCAC[G>C]GGATTTCCAGCGAAACCAGGCAAGCCAGGAGGCCCGAGCGGCCCTCTCTCCCCCTGGGGA-3'
Protein context (NP_001836.3, residues 137-157): PPGLPGFAGN[Pro147=]GPPGLPGMKG